The following is an entry in ClinVar:

NM_001032386.2(SUOX):c.37C>T (p.Gln13Ter)

Gene: SUOX (sulfite oxidase; plus strand). Cytogenetic location: 12q13.2.
Variant type: single nucleotide variant.
Coding change: c.37C>T on transcript NM_001032386.2 (MANE Select); coding-DNA position 37, C replaced by T.
Protein change: p.Gln13Ter; replaces glutamine 13 with a stop codon.
Molecular consequence: nonsense.
Genome position (GRCh38, 1-based): chr12:56,002,258, C>T. VCF-style: chr12-56002258-C-T. GRCh37 (hg19) VCF-style: chr12-56396042-C-T.
Other names: c.37C>T, p.Gln13Ter (NM_000456.3, NM_001032387.2); short protein forms Q13*.
Identifiers: ClinVar variation 2824409 (VCV002824409.3), dbSNP rs1890558787, ClinGen allele CA385278833.

ClinVar aggregate classification (germline): Pathogenic (1 of 4 stars; one submission).

Conditions:
Sulfite oxidase deficiency. Also called: Isolated sulfite oxidase deficiency. Identifiers: Orphanet 833, Orphanet 99731, MedGen C0268624, MONDO:0010089, OMIM 272300, HP:0003643.

Allele frequency attached by ClinVar (database versions not stated): gnomAD exomes below 0.00001; gnomAD 0.00001; TOPMed 0.00001.
gnomAD v4.1: 2 of 1,612,130 alleles (0.00012%); highest among the groups gnomAD compares: African/African-American, 0.0013%; no homozygotes.

Submission:

Labcorp Genetics (formerly Invitae), Labcorp
Classification: Pathogenic for Sulfite oxidase deficiency. Last evaluated: 2024-04-24. Review status: criteria provided, single submitter. Criteria: Invitae Variant Classification Sherloc (09022015). Collection method: clinical testing. Allele origin: germline.
Comment: This sequence change creates a premature translational stop signal (p.Gln13*) in the SUOX gene. It is expected to result in an absent or disrupted protein product. Loss-of-function variants in SUOX are known to be pathogenic (PMID: 1212661, 9600976, 15952210, 32978145). This variant is not present in population databases (gnomAD no frequency). This variant has not been reported in the literature in individuals affected with SUOX-related conditions. For these reasons, this variant has been classified as Pathogenic.

Literature cited by the submitters: PubMed 1212661; PubMed 9600976; PubMed 15952210; PubMed 32978145.